The following is an entry in ClinVar:

NM_001845.6(COL4A1):c.1536+595C>T

Gene: COL4A1 (collagen type IV alpha 1 chain; minus strand). Cytogenetic location: 13q34.
Variant type: single nucleotide variant.
Coding change: c.1536+595C>T on transcript NM_001845.6 (MANE Select); 595 bases into the intron after coding-DNA position 1536, C replaced by T.
Molecular consequence: intron variant. On other transcripts: 3 prime UTR variant (1).
Genome position (GRCh38, 1-based): chr13:110,191,619, G>A on the plus strand (C>T on the coding strand, the complement: COL4A1 is on the minus strand). VCF-style: chr13-110191619-G-A. GRCh37 (hg19) VCF-style: chr13-110843966-G-A.
Other names: c.*7C>T (NM_001303110.2).
Identifiers: ClinVar variation 3058288 (VCV003058288.3), dbSNP rs747972545, ClinGen allele CA7047889.

ClinVar aggregate classification (germline): Likely benign. Review status: criteria provided, single submitter (1 of 4 stars). 2 submissions from 2 submitters: Likely benign (1). 1 of the submissions does not count toward it. Last evaluated 2023-09-26.

Conditions:
COL4A1-related disorder. Also called: COL4A1-related condition; COL4A1-related disorders. Identifiers: MedGen CN376119, MONDO:0800461.

Allele frequency attached by ClinVar (database versions not stated): gnomAD exomes 0.00005; gnomAD 0.00008; TOPMed 0.00009; ExAC 0.00010.
gnomAD v4.1: 42 of 685,038 alleles (0.0061%); highest among the groups gnomAD compares: East Asian, 0.065%; no homozygotes.

Submissions (2):

Blueprint Genetics
Classification: Likely benign. Last evaluated: 2023-09-26. Review status: criteria provided, single submitter. Criteria: ACMG Guidelines, 2015. Collection method: clinical testing. Allele origin: germline.

PreventionGenetics, part of Exact Sciences
Classification: Likely benign for COL4A1-related condition. Last evaluated: 2019-04-24. Review status: no assertion criteria provided. Collection method: clinical testing. Allele origin: germline. Not counted in ClinVar's aggregate classification.
Comment: This variant is classified as likely benign based on ACMG/AMP sequence variant interpretation guidelines (Richards et al. 2015 PMID: 25741868, with internal and published modifications).